The following is an entry in ClinVar:

ClinVar aggregate classification (germline): Uncertain significance. Review status: criteria provided, multiple submitters, no conflicts (2 of 4 stars). 4 submissions from 3 submitters: Uncertain significance (4). Last evaluated 2021-07-26.

Conditions:
RASopathy. Also called: rasopathies; Noonan spectrum disorder. Identifiers: Orphanet 536391, MedGen C5555857, MONDO:0021060.
Fibromatosis, gingival, 1 (GINGF1). Identifiers: Orphanet 2024, MedGen C4551558, MONDO:0007609, OMIM 135300.
Noonan syndrome 4 (NS4). Also called: NOONAN SYNDROME WITH PIGMENTED VILLONODULAR SYNOVITIS; SOS1-Related Noonan Syndrome. Identifiers: Orphanet 648, MedGen C1853120, MONDO:0012547, OMIM 610733.

Submissions (4):

Labcorp Genetics (formerly Invitae), Labcorp
Classification: Uncertain significance for RASopathy. Last evaluated: 2021-07-26. Review status: criteria provided, single submitter. Criteria: Invitae Variant Classification Sherloc (09022015). Collection method: clinical testing. Allele origin: germline.
Comment: In summary, the available evidence is currently insufficient to determine the role of this variant in disease. Therefore, it has been classified as a Variant of Uncertain Significance. Algorithms developed to predict the effect of sequence changes on RNA splicing suggest that this variant may create or strengthen a splice site. Algorithms developed to predict the effect of missense changes on protein structure and function are either unavailable or do not agree on the potential impact of this missense change (SIFT: "Tolerated"; PolyPhen-2: "Possibly Damaging"; Align-GVGD: "Class C0"). ClinVar contains an entry for this variant (Variation ID: 452599). This variant has not been reported in the literature in individuals affected with SOS1-related conditions. This variant is not present in population databases (ExAC no frequency). This sequence change replaces histidine with glutamine at codon 1320 of the SOS1 protein (p.His1320Gln). The histidine residue is moderately conserved and there is a small physicochemical difference between histidine and glutamine.

GeneDx
Classification: Uncertain significance. Last evaluated: 2017-10-04. Review status: criteria provided, single submitter. Criteria: GeneDx Variant Classification (06012015). Collection method: clinical testing. Allele origin: germline. Affected: yes.
Comment: A variant of uncertain significance has been identified in the SOS1 gene. The H1320Q variant has not been publishedas pathogenic or been reported as benign to our knowledge. This variant is not observed in large population cohorts(Lek et al., 2016). The H1320Q variant is a semi-conservative amino acid substitution, which may impact secondaryprotein structure as these residues differ in some properties. This substitution occurs at a position that is conservedacross species, and in silico analysis suggests that this variant is probably damaging to the protein structure/function.However, no missense variants in nearby residues have been reported in the Human Gene Mutation Database inassociation with SOS1-related disorders (Stenson et al., 2014).

Genome-Nilou Lab
Classification: Uncertain significance for Noonan syndrome 4. Review status: criteria provided, single submitter. Criteria: ACMG Guidelines, 2015. Collection method: clinical testing. Allele origin: germline.

Genome-Nilou Lab
Classification: Uncertain significance for Fibromatosis, gingival, 1. Review status: criteria provided, single submitter. Criteria: ACMG Guidelines, 2015. Collection method: clinical testing. Allele origin: germline.

NM_005633.4(SOS1):c.3960C>G (p.His1320Gln)

Gene: SOS1 (SOS Ras/Rac guanine nucleotide exchange factor 1; minus strand). Cytogenetic location: 2p22.1.
Variant type: single nucleotide variant.
Coding change: c.3960C>G on transcript NM_005633.4 (MANE Select); coding-DNA position 3960, C replaced by G.
Protein change: p.His1320Gln; replaces histidine 1320 with glutamine.
Molecular consequence: missense variant.
Genome position (GRCh38, 1-based): chr2:38,985,866, G>C on the plus strand (C>G on the coding strand, the complement: SOS1 is on the minus strand). VCF-style: chr2-38985866-G-C. GRCh37 (hg19) VCF-style: chr2-39213007-G-C.
Other names: c.3939C>G, p.His1313Gln (NM_001382394.1); c.3915C>G, p.His1305Gln (NM_001382395.1); short protein forms H1320Q, H1305Q, H1313Q.
Identifiers: ClinVar variation 452599 (VCV000452599.10), dbSNP rs1553349464, ClinGen allele CA346361951.